The following is an entry in ClinVar:

ClinVar aggregate classification (germline): Uncertain significance (1 of 4 stars; one submission).

Conditions:
Inborn genetic diseases. Identifiers: MedGen C0950123, MeSH D030342.

Allele frequency attached by ClinVar (database versions not stated): gnomAD exomes below 0.00001.
gnomAD v4.1: 7 of 1,614,210 alleles (0.00043%); highest among the groups gnomAD compares: South Asian, 0.0011%; no homozygotes.

Submission:

Ambry Genetics
Classification: Uncertain significance for Inborn genetic diseases. Last evaluated: 2021-01-27. Review status: criteria provided, single submitter. Criteria: Ambry Variant Classification Scheme 2023. Collection method: clinical testing. Allele origin: germline.
Comment: The c.251A>G (p.N84S) alteration is located in exon 3 (coding exon 2) of the PIGV gene. This alteration results from a A to G substitution at nucleotide position 251, causing the asparagine (N) at amino acid position 84 to be replaced by a serine (S). The p.N84S alteration is predicted to be tolerated by in silico analysis. Based on insufficient or conflicting evidence, the clinical significance of this alteration remains unclear.

NM_017837.4(PIGV):c.251A>G (p.Asn84Ser)

Gene: PIGV (phosphatidylinositol glycan anchor biosynthesis class V; plus strand). Cytogenetic location: 1p36.11.
Variant type: single nucleotide variant.
Coding change: c.251A>G on transcript NM_017837.4 (MANE Select); coding-DNA position 251, A replaced by G.
Protein change: p.Asn84Ser; replaces asparagine 84 with serine.
Molecular consequence: missense variant. On other transcripts: 5 prime UTR variant (1), non-coding transcript variant (1), intron variant (3).
Genome position (GRCh38, 1-based): chr1:26,794,285, A>G. VCF-style: chr1-26794285-A-G. GRCh37 (hg19) VCF-style: chr1-27120776-A-G.
Other names: c.251A>G, p.Asn84Ser (NM_001202554.2, NM_001374478.1, NM_001374480.1 and 2 more transcripts); c.-131A>G (NM_001374483.1); c.172+79A>G (NM_001374484.1, NM_001374485.1); c.79-3278A>G (NM_001374486.1); short protein forms N84S.
Identifiers: ClinVar variation 2229103 (VCV002229103.2), dbSNP rs1389268067, ClinGen allele CA339199136.